The following is an entry in ClinVar:

ClinVar aggregate classification (germline): Likely benign (1 of 4 stars; one submission).

Conditions:
NPHP4-related disorder. Also called: NPHP4-related condition; NPHP4-related disorders. Identifiers: MedGen CN239384.

gnomAD v4.1: 5 of 1,613,748 alleles (0.00031%); highest among the groups gnomAD compares: Non-Finnish European, 0.00042%; no homozygotes.

Submission:

PreventionGenetics, part of Exact Sciences
Classification: Likely benign for NPHP4-related condition. Last evaluated: 2026-05-18. Review status: criteria provided, single submitter. Criteria: ACMG Guidelines, 2015. Collection method: clinical testing. Allele origin: germline.
Comment: This variant is classified as likely benign based on ACMG/AMP sequence variant interpretation guidelines (Richards et al. 2015 PMID: 25741868, with internal and published modifications).

NM_015102.5(NPHP4):c.963C>T (p.Ser321=)

Gene: NPHP4 (nephrocystin 4; minus strand). Cytogenetic location: 1p36.31.
Variant type: single nucleotide variant.
Coding change: c.963C>T on transcript NM_015102.5 (MANE Select); coding-DNA position 963, C replaced by T.
Protein change: p.Ser321=; no amino-acid change (serine 321 retained).
Molecular consequence: synonymous variant. On other transcripts: 5 prime UTR variant (2), non-coding transcript variant (1).
Genome position (GRCh38, 1-based): chr1:5,948,099, G>A on the plus strand (C>T on the coding strand, the complement: NPHP4 is on the minus strand). VCF-style: chr1-5948099-G-A. GRCh37 (hg19) VCF-style: chr1-6008159-G-A.
Other names: c.-404C>T (NM_001291593.2, NM_001291594.2).
Identifiers: ClinVar variation 4979909 (VCV004979909.1).